The following is an entry in ClinVar:

ClinVar aggregate classification (germline): Pathogenic (1 of 4 stars; one submission).

Conditions:
Neurofibromatosis, type 1 (NF1). Also called: Peripheral type neurofibromatosis; VON RECKLINGHAUSEN DISEASE; NEUROFIBROMATOSIS, TYPE I, SOMATIC; Neurofibromatosis, type I. Identifiers: Orphanet 636, MedGen C0027831, MONDO:0018975, OMIM 162200. Disease mechanism: loss of function.

Submission:

Labcorp Genetics (formerly Invitae), Labcorp
Classification: Pathogenic for Neurofibromatosis, type 1. Last evaluated: 2022-10-29. Review status: criteria provided, single submitter. Criteria: Invitae Variant Classification Sherloc (09022015). Collection method: clinical testing. Allele origin: germline.
Comment: This variant disrupts a region of the NF1 protein in which other variant(s) (p.Ala2716Asp) have been determined to be pathogenic (Invitae). This suggests that this is a clinically significant region of the protein, and that variants that disrupt it are likely to be disease-causing. This variant has not been reported in the literature in individuals affected with NF1-related conditions. This variant is a gross deletion of the genomic region encompassing exon(s) 13-57 of the NF1 gene, which includes the termination codon. This deletion extends beyond the assayed region for this gene and therefore may encompass additional genes. While this deletion is not anticipated to lead to nonsense mediated decay, it is expected to alter mRNA translation or result in a truncated protein product. For these reasons, this variant has been classified as Pathogenic.

NC_000017.10:g.(?_29541449)_(29701173_?)del

Genes: EVI2A (ecotropic viral integration site 2A; minus strand), EVI2B (ecotropic viral integration site 2B; minus strand), NF1 (neurofibromin 1; plus strand), OMG (oligodendrocyte myelin glycoprotein; minus strand). Cytogenetic location: 17q11.2.
Variant type: Deletion.
Identifiers: ClinVar variation 2422717 (VCV002422717.4).